The following is an entry in ClinVar:

ClinVar aggregate classification (germline): Uncertain significance (1 of 4 stars; one submission).

Conditions:
Episodic ataxia type 2 (EA2). Also called: ATAXIA, EPISODIC, WITH NYSTAGMUS; ATAXIA, FAMILIAL PAROXYSMAL; CEREBELLAR ATAXIA, PAROXYSMAL, ACETAZOLAMIDE-RESPONSIVE; CEREBELLOPATHY, HEREDITARY PAROXYSMAL; ACETAZOLAMIDE-RESPONSIVE HEREDITARY PAROXYSMAL CEREBELLAR ATAXIA; EPISODIC ATAXIA, NYSTAGMUS-ASSOCIATED. Identifiers: Orphanet 97, MedGen C1720416, MONDO:0007163, OMIM 108500.
Developmental and epileptic encephalopathy, 42 (DEE42A). Also called: Epileptic encephalopathy, early infantile, 42; DEVELOPMENTAL AND EPILEPTIC ENCEPHALOPATHY 42A; EPILEPTIC ENCEPHALOPATHY, EARLY INFANTILE, 42A. Identifiers: MedGen C4310716, MONDO:0014917, OMIM 617106.

Submission:

Labcorp Genetics (formerly Invitae), Labcorp
Classification: Uncertain significance for Developmental and epileptic encephalopathy, 42; Episodic ataxia type 2. Last evaluated: 2022-06-26. Review status: criteria provided, single submitter. Criteria: Invitae Variant Classification Sherloc (09022015). Collection method: clinical testing. Allele origin: germline.
Comment: This variant has not been reported in the literature in individuals affected with CACNA1A-related conditions. Experimental studies and prediction algorithms are not available or were not evaluated, and the functional significance of this variant is currently unknown. In summary, the available evidence is currently insufficient to determine the role of this variant in disease. Therefore, it has been classified as a Variant of Uncertain Significance. This variant is not present in population databases (gnomAD no frequency). This variant, c.6442_6444del, results in the deletion of 1 amino acid(s) of the CACNA1A protein (p.Glu2148del), but otherwise preserves the integrity of the reading frame.

NM_001127222.2(CACNA1A):c.6436GAG[1] (p.Glu2147del)

Gene: CACNA1A (calcium voltage-gated channel subunit alpha1 A; minus strand). Cytogenetic location: 19p13.13.
Variant type: Microsatellite.
Coding change: c.6436GAG[1] on transcript NM_001127222.2 (MANE Select); one copy of the 3-base unit GAG starting at c.6436; the reference has two copies in a row; one copy, 3 bases deleted.
Protein change: p.Glu2147del; deletes glutamic acid 2147.
Molecular consequence: inframe deletion.
Genome position (GRCh38, 1-based): chr19:13,209,397-13,209,399, CTC deleted on the plus strand (GAG on the coding strand, the reverse complement: CACNA1A is on the minus strand); deleting any 3 consecutive bases within chr19:13,209,397-13,209,402 gives the same sequence; the position shown is the placement nearest the transcript's 3' end. VCF-style (leftmost placement, unchanged base first): chr19-13209396-TCTC-T. GRCh37 (hg19) VCF-style: chr19-13320210-TCTC-T.
Other names: c.6454GAG[1], p.Glu2153del (NM_000068.4, NM_023035.3); c.6439GAG[1], p.Glu2148del (NM_001127221.2); c.6445GAG[1], p.Glu2150del (NM_001174080.2); short protein forms E2148del, E2153del, E2147del, E2150del.
Identifiers: ClinVar variation 2010957 (VCV002010957.4), dbSNP rs2512520457, ClinGen allele CA2580613067.